The following is an entry in ClinVar:

ClinVar aggregate classification (germline): Benign. Review status: criteria provided, multiple submitters, no conflicts (2 of 4 stars). 5 submissions from 5 submitters: Benign (5). Last evaluated 2026-02-03.

Conditions:
Diabetes mellitus, transient neonatal, 1 (TNDM1). Also called: Diabetes Mellitus, 6q24-Related Transient Neonatal. Identifiers: Orphanet 99886, MedGen C1832386, MONDO:0011073, OMIM 601410.
Monogenic diabetes. Identifiers: Orphanet 183625, MedGen C3888631, MONDO:0015967.

Allele frequency attached by ClinVar (database versions not stated): 1000 Genomes Project 30x 0.00359; 1000 Genomes Project 0.00399; TOPMed 0.00812; gnomAD 0.00973 and 0.00987; gnomAD exomes 0.01080 and 0.01267; ESP Exome Variant Server 0.01087; ExAC 0.01198.

Submissions (5):

Labcorp Genetics (formerly Invitae), Labcorp
Classification: Benign. Last evaluated: 2026-02-03. Review status: criteria provided, single submitter. Criteria: Invitae Variant Classification Sherloc (09022015). Collection method: clinical testing. Allele origin: germline.

CeGaT Center for Human Genetics Tuebingen
Classification: Benign. Last evaluated: 2026-02-01. Review status: criteria provided, single submitter. Criteria: CeGaT Center For Human Genetics Tuebingen Variant Classification Criteria Version 2. Collection method: clinical testing. Allele origin: germline. Affected: yes. Observed: 2 variant alleles.
Comment: ZFP57: BP4, BS1, BS2

ARUP Laboratories, Molecular Genetics and Genomics, ARUP Laboratories
Classification: Benign for Diabetes mellitus, transient neonatal, 1. Last evaluated: 2025-04-28. Review status: criteria provided, single submitter. Criteria: ARUP Molecular Germline Variant Investigation Process 2024. Collection method: clinical testing. Allele origin: germline.

Personalized Diabetes Medicine Program, University of Maryland School of Medicine
Classification: Benign for Monogenic diabetes. Last evaluated: 2018-11-21. Review status: criteria provided, single submitter. Criteria: ACMG Guidelines, 2015. Collection method: research. Allele origin: unknown. Observed: 4 variant alleles, 4 heterozygotes.
Comment: ACMG criteria: BP4 (8 predictors, REVEL 0.024), BS1 (1.7% in ExAC European pop.), BS2 (27 homozygotes in gnomAD)= benign

Illumina Laboratory Services, Illumina
Classification: Benign for Diabetes mellitus, transient neonatal, 1. Last evaluated: 2018-01-12. Review status: criteria provided, single submitter. Criteria: ICSL Variant Classification Criteria 13 December 2019. Collection method: clinical testing. Allele origin: germline.
Comment: This variant was observed in the ICSL laboratory as part of a predisposition screen in an ostensibly healthy population. It had not been previously curated by ICSL or reported in the Human Gene Mutation Database (HGMD: prior to June 1st, 2018), and was therefore a candidate for classification through an automated scoring system. Utilizing variant allele frequency, disease prevalence and penetrance estimates, and inheritance mode, an automated score was calculated to assess if this variant is too frequent to cause the disease. Based on the score and internal cut-off values, a variant classified as benign is not then subjected to further curation. The score for this variant resulted in a classification of benign for this disease.

NM_001109809.5(ZFP57):c.937A>G (p.Arg313Gly)

Gene: ZFP57 (ZFP57 zinc finger protein; minus strand). Cytogenetic location: 6p22.1.
Variant type: single nucleotide variant.
Coding change: c.937A>G on transcript NM_001109809.5 (MANE Select); coding-DNA position 937, A replaced by G.
Protein change: p.Arg313Gly; replaces arginine 313 with glycine.
Molecular consequence: missense variant.
Genome position (GRCh38, 1-based): chr6:29,673,174, T>C on the plus strand (A>G on the coding strand, the complement: ZFP57 is on the minus strand). VCF-style: chr6-29673174-T-C. GRCh37 (hg19) VCF-style: chr6-29640951-T-C.
Other names: c.721A>G, p.Arg241Gly (NM_001366333.2); short protein forms R313G, R241G.
Identifiers: ClinVar variation 904450 (VCV000904450.31), dbSNP rs61730327, ClinGen allele CA3690750.